The following is an entry in ClinVar:

ClinVar aggregate classification (germline): Uncertain significance. Review status: criteria provided, multiple submitters, no conflicts (2 of 4 stars). 2 submissions from 2 submitters: Uncertain significance (2). Last evaluated 2025-11-01.

Conditions:
Inborn genetic diseases. Identifiers: MedGen C0950123, MeSH D030342.
Baller-Gerold syndrome (BGS). Also called: CRANIOSYNOSTOSIS WITH RADIAL DEFECTS. Identifiers: Orphanet 1225, MedGen C0265308, MONDO:0009039, OMIM 218600.

Allele frequency attached by ClinVar (database versions not stated): TOPMed below 0.00001; gnomAD 0.00001; gnomAD exomes 0.00001.

Submissions (2):

Ambry Genetics
Classification: Uncertain significance for Inborn genetic diseases. Last evaluated: 2025-11-01. Review status: criteria provided, single submitter. Criteria: Ambry Variant Classification Scheme 2023. Collection method: clinical testing. Allele origin: germline.
Comment: The p.L117V variant (also known as c.349C>G), located in coding exon 4 of the RECQL4 gene, results from a C to G substitution at nucleotide position 349. The leucine at codon 117 is replaced by valine, an amino acid with highly similar properties. This amino acid position is conserved. In addition, this alteration is predicted to be tolerated by in silico analysis. Based on the available evidence, the clinical significance of this variant remains unclear.

Labcorp Genetics (formerly Invitae), Labcorp
Classification: Uncertain significance for Baller-Gerold syndrome. Last evaluated: 2023-08-24. Review status: criteria provided, single submitter. Criteria: Invitae Variant Classification Sherloc (09022015). Collection method: clinical testing. Allele origin: germline.
Comment: In summary, the available evidence is currently insufficient to determine the role of this variant in disease. Therefore, it has been classified as a Variant of Uncertain Significance. Advanced modeling of protein sequence and biophysical properties (such as structural, functional, and spatial information, amino acid conservation, physicochemical variation, residue mobility, and thermodynamic stability) performed at Invitae indicates that this missense variant is not expected to disrupt RECQL4 protein function. ClinVar contains an entry for this variant (Variation ID: 2044441). This variant has not been reported in the literature in individuals affected with RECQL4-related conditions. This variant is present in population databases (no rsID available, gnomAD 0.007%). This sequence change replaces leucine, which is neutral and non-polar, with valine, which is neutral and non-polar, at codon 117 of the RECQL4 protein (p.Leu117Val).

NM_004260.4(RECQL4):c.349C>G (p.Leu117Val)

Gene: RECQL4 (RecQ like helicase 4; minus strand). Cytogenetic location: 8q24.3.
Variant type: single nucleotide variant.
Coding change: c.349C>G on transcript NM_004260.4 (MANE Select); coding-DNA position 349, C replaced by G.
Protein change: p.Leu117Val; replaces leucine 117 with valine.
Molecular consequence: missense variant.
Genome position (GRCh38, 1-based): chr8:144,517,055, G>C on the plus strand (C>G on the coding strand, the complement: RECQL4 is on the minus strand). VCF-style: chr8-144517055-G-C. GRCh37 (hg19) VCF-style: chr8-145742439-G-C.
Other names: c.349C>G, p.Leu117Val (NM_001413017.1, NM_001413018.1, NM_001413019.1 and 5 more transcripts); c.-372C>G (NM_001413021.1); c.-723C>G (NM_001413022.1, NM_001413023.1, NM_001413037.1 and 3 more transcripts); c.-620C>G (NM_001413024.1, NM_001413035.1); c.220C>G, p.Leu74Val (NM_001413025.1); c.-785C>G (NM_001413027.1, NM_001413030.1, NM_001413031.1 and 1 more transcripts); c.-448C>G (NM_001413028.1); c.-682C>G (NM_001413032.1); and 3 more; short protein forms L117V, L74V.
Identifiers: ClinVar variation 2044441 (VCV002044441.5), dbSNP rs1271981031, ClinGen allele CA372691893.
Genomic context (GRCh38, chr8:144,517,055, plus strand): 5'-CGGACCGGAAGCAGCTGTGGACCTAGCGTGGACTCACTGCCTGCCCACTCCTCACCTGCA[G>C]GGTGCCTTTCAGATTGGCCTTGAGCCGCTGCCCGTAGTCCGGCACCGAGCCCTGGCGGCT-3'
Protein context (NP_004251.4, residues 107-127): QRLKANLKGT[Leu117Val]QAGPALGRRP